The following is an entry in ClinVar:

ClinVar aggregate classification (germline): Uncertain significance (1 of 4 stars; one submission).

Conditions:
Symmetrical dyschromatosis of extremities (DSH). Also called: DYSCHROMATOSIS SYMMETRICA HEREDITARIA 1; RETICULATE ACROPIGMENTATION OF DOHI; SYMMETRIC DYSCHROMATOSIS OF THE EXTREMITIES; Dyschromatosis symmetrica hereditaria. Identifiers: Orphanet 41, MedGen C0406775, MONDO:0007483, OMIM 127400.
Aicardi-Goutieres syndrome 6 (AGS6). Identifiers: Orphanet 51, MedGen C3539013, MONDO:0014007, OMIM 615010.

Allele frequency attached by ClinVar (database versions not stated): gnomAD 0.00001; gnomAD exomes 0.00001 and 0.00002; ExAC 0.00002; TOPMed 0.00002.
gnomAD v4.1: 11 of 1,613,874 alleles (0.00068%); highest among the groups gnomAD compares: African/African-American, 0.0027%; no homozygotes.

Submission:

Labcorp Genetics (formerly Invitae), Labcorp
Classification: Uncertain significance for Aicardi-Goutieres syndrome 6; Symmetrical dyschromatosis of extremities. Last evaluated: 2024-11-06. Review status: criteria provided, single submitter. Criteria: Invitae Variant Classification Sherloc (09022015). Collection method: clinical testing. Allele origin: germline.
Comment: This sequence change replaces glycine, which is neutral and non-polar, with arginine, which is basic and polar, at codon 11 of the ADAR protein (p.Gly11Arg). This variant is present in population databases (rs747039563, gnomAD 0.004%). This variant has not been reported in the literature in individuals affected with ADAR-related conditions. ClinVar contains an entry for this variant (Variation ID: 1510799). An algorithm developed to predict the effect of missense changes on protein structure and function outputs the following: PolyPhen-2: "Benign". The arginine amino acid residue is found in multiple mammalian species, which suggests that this missense change does not adversely affect protein function. In summary, the available evidence is currently insufficient to determine the role of this variant in disease. Therefore, it has been classified as a Variant of Uncertain Significance.

NM_001111.5(ADAR):c.31G>A (p.Gly11Arg)

Gene: ADAR (adenosine deaminase RNA specific; minus strand). Cytogenetic location: 1q21.3.
Variant type: single nucleotide variant.
Coding change: c.31G>A on transcript NM_001111.5 (MANE Select); coding-DNA position 31, G replaced by A.
Protein change: p.Gly11Arg; replaces glycine 11 with arginine.
Molecular consequence: missense variant. On other transcripts: 5 prime UTR variant (6).
Genome position (GRCh38, 1-based): chr1:154,602,611, C>T on the plus strand (G>A on the coding strand, the complement: ADAR is on the minus strand). VCF-style: chr1-154602611-C-T. GRCh37 (hg19) VCF-style: chr1-154575087-C-T.
Other names: c.-855G>A (NM_001025107.3, NM_001193495.2, NM_001365048.1); c.58G>A, p.Gly20Arg (NM_001365045.1); c.-719G>A (NM_001365046.1, NM_001365047.1, NM_001365049.1); c.31G>A, p.Gly11Arg (NM_015840.4, NM_015841.4); short protein forms G11R, G20R.
Identifiers: ClinVar variation 1510799 (VCV001510799.8), dbSNP rs747039563, ClinGen allele CA1131775.